The following is an entry in ClinVar:

ClinVar aggregate classification (germline): Likely benign (1 of 4 stars; one submission).

Conditions:
Familial hypercholesterolemia. Also called: Familial hypercholesterolaemia. Identifiers: MedGen C0020445, MONDO:0005439.

gnomAD v4.1: 10 of 1,614,096 alleles (0.00062%); highest among the groups gnomAD compares: Middle Eastern, 0.016%; no homozygotes.

Submission:

GENinCode PLC
Classification: Likely benign for Familial hypercholesterolemia. Last evaluated: 2024-04-03. Review status: criteria provided, single submitter. Criteria: ACMG Guidelines, 2015. Collection method: clinical testing. Allele origin: germline.
Comment: This is a synonymous (silent) variant that is not predicted by SpliceAI to impact splicing. In addition, it occurs at a nucleotide that is not conserved. Therefore this variant has been classified as Likely Benign (BP4, BP7).

NM_000384.3(APOB):c.13485T>C (p.Phe4495=)

Gene: APOB (apolipoprotein B; minus strand). Cytogenetic location: 2p24.1.
Variant type: single nucleotide variant.
Coding change: c.13485T>C on transcript NM_000384.3 (MANE Select); coding-DNA position 13485, T replaced by C.
Protein change: p.Phe4495=; no amino-acid change (phenylalanine 4495 retained).
Molecular consequence: synonymous variant.
Genome position (GRCh38, 1-based): chr2:21,001,937, A>G on the plus strand (T>C on the coding strand, the complement: APOB is on the minus strand). VCF-style: chr2-21001937-A-G. GRCh37 (hg19) VCF-style: chr2-21224809-A-G.
Identifiers: ClinVar variation 3393006 (VCV003393006.1).